The following is an entry in ClinVar:

NM_014991.6(WDFY3):c.4504C>T (p.Leu1502Phe)

Gene: WDFY3 (WD repeat and FYVE domain containing 3; minus strand). Cytogenetic location: 4q21.23.
Variant type: single nucleotide variant.
Coding change: c.4504C>T on transcript NM_014991.6 (MANE Select); coding-DNA position 4504, C replaced by T.
Protein change: p.Leu1502Phe; replaces leucine 1502 with phenylalanine.
Molecular consequence: missense variant.
Genome position (GRCh38, 1-based): chr4:84,778,517, G>A on the plus strand (C>T on the coding strand, the complement: WDFY3 is on the minus strand). VCF-style: chr4-84778517-G-A. GRCh37 (hg19) VCF-style: chr4-85699670-G-A.
Other names: short protein forms L1502F.
Identifiers: ClinVar variation 3770087 (VCV003770087.1).

ClinVar aggregate classification (germline): Uncertain significance (1 of 4 stars; one submission).

gnomAD v4.1: 3 of 1,602,714 alleles (0.00019%); highest among the groups gnomAD compares: Non-Finnish European, 0.00026%; no homozygotes.

Submission:

GeneDx
Classification: Uncertain significance. Last evaluated: 2024-09-16. Review status: criteria provided, single submitter. Criteria: GeneDx Variant Classification Process June 2021. Collection method: clinical testing. Allele origin: germline. Affected: yes.
Comment: Not observed at significant frequency in large population cohorts (gnomAD); In silico analysis supports that this missense variant has a deleterious effect on protein structure/function; Has not been previously published as pathogenic or benign to our knowledge